The following is an entry in ClinVar:

ClinVar aggregate classification (germline): Pathogenic. Review status: criteria provided, multiple submitters, no conflicts (2 of 4 stars). 3 submissions from 3 submitters: Pathogenic (3). Last evaluated 2026-01-24.

Conditions:
VPS13A-related neurodegenerative disease. Also called: Choreaacanthocytosis; VPS13A Disease; ACANTHOCYTOSIS WITH NEUROLOGIC DISORDER; LEVINE-CRITCHLEY SYNDROME; Choreoacanthocytosis; Chorea-acanthocytosis. Identifiers: Orphanet 2388, MedGen C0393576, MONDO:0008695, OMIM 200150.

Allele frequency attached by ClinVar (database versions not stated): gnomAD exomes below 0.00001 and 0.00001.
gnomAD v4.1: 10 of 1,610,672 alleles (0.00062%); highest among the groups gnomAD compares: East Asian, 0.011%; no homozygotes.

Submissions (3):

Labcorp Genetics (formerly Invitae), Labcorp
Classification: Pathogenic. Last evaluated: 2026-01-24. Review status: criteria provided, single submitter. Criteria: Invitae Variant Classification Sherloc (09022015). Collection method: clinical testing. Allele origin: germline.
Comment: This sequence change creates a premature translational stop signal (p.Arg1471*) in the VPS13A gene. It is expected to result in an absent or disrupted protein product. Loss-of-function variants in VPS13A are known to be pathogenic (PMID: 12404112, 21598378). This variant is present in population databases (no rsID available, gnomAD 0.0009%). This premature translational stop signal has been observed in individuals with chorea-acanthocytosis (PMID: 12404112, 25733999, 31192303). ClinVar contains an entry for this variant (Variation ID: 448862). For these reasons, this variant has been classified as Pathogenic.

Natera, Inc.
Classification: Pathogenic for Choreaacanthocytosis. Last evaluated: 2026-01-08. Review status: criteria provided, single submitter. Criteria: Natera Variant Classification Schema (03/2026). Collection method: clinical testing. Allele origin: germline.
Comment: The c.4411C>T variant in VPS13A is a nonsense variant predicted to introduce a stop codon at amino acid 1471. This variant is expected to result in nonsense mediated decay, truncation, or a dysfunctional protein product. This variant is rare in the general population with a frequency below the threshold expected for the associated phenotype(s). This variant has been observed in one or more individuals affected with the associated recessive disease, as either homozygous or compound heterozygous with a second variant (PMID: 32088470). Given the available evidence, this variant is classified as Pathogenic.

Athena Diagnostics
Classification: Pathogenic. Last evaluated: 2024-12-23. Review status: criteria provided, single submitter. Criteria: Athena Diagnostics Criteria. Collection method: clinical testing. Allele origin: unknown.
Comment: This variant is expected to result in the loss of a functional protein. The frequency of this variant in the general population is consistent with pathogenicity. This variant has been identified homozygous in multiple unrelated individuals with clinical features associated with this gene.

Literature cited by the submitters: PubMed 12404112 (cited by Labcorp Genetics (formerly Invitae), Labcorp and Athena Diagnostics); PubMed 21598378 (cited by Labcorp Genetics (formerly Invitae), Labcorp and Athena Diagnostics); PubMed 25733999 (cited by Labcorp Genetics (formerly Invitae), Labcorp and Athena Diagnostics); PubMed 31192303 (cited by Labcorp Genetics (formerly Invitae), Labcorp and Athena Diagnostics); PubMed 32088470 (cited by Natera, Inc.); PubMed 32606538 (cited by Athena Diagnostics); PubMed 39324427 (cited by Athena Diagnostics); PubMed 31704285 (cited by Athena Diagnostics).

NM_033305.3(VPS13A):c.4411C>T (p.Arg1471Ter)

Gene: VPS13A (vacuolar protein sorting 13 homolog A; plus strand). Cytogenetic location: 9q21.2.
Variant type: single nucleotide variant.
Coding change: c.4411C>T on transcript NM_033305.3 (MANE Select); coding-DNA position 4411, C replaced by T.
Protein change: p.Arg1471Ter; replaces arginine 1471 with a stop codon.
Molecular consequence: nonsense.
Genome position (GRCh38, 1-based): chr9:77,314,663, C>T. VCF-style: chr9-77314663-C-T. GRCh37 (hg19) VCF-style: chr9-79929579-C-T.
Other names: c.4294C>T, p.Arg1432Ter (NM_001018037.2); c.4411C>T, p.Arg1471Ter (NM_001018038.3, NM_015186.4); short protein forms R1471*, R1432*.
Identifiers: ClinVar variation 448862 (VCV000448862.14), dbSNP rs1193250444, ClinGen allele CA373855535.